The following is an entry in ClinVar:

NM_025215.6(PUS1):c.498dup (p.Leu167fs)

Gene: PUS1 (pseudouridine synthase 1; plus strand). Cytogenetic location: 12q24.33.
Variant type: Duplication.
Coding change: c.498dup on transcript NM_025215.6 (MANE Select); coding-DNA position 498, one base duplicated (T; older notation c.498dupT).
Protein change: p.Leu167fs; shifts the reading frame from leucine 167.
Molecular consequence: frameshift variant.
Genome position (GRCh38, 1-based): chr12:131,939,229, T duplicated; the last of 2 consecutive T bases (chr12:131,939,228-131,939,229); duplicating either gives the same sequence. VCF-style (leftmost placement, unchanged base first): chr12-131939227-A-AT. GRCh37 (hg19) VCF-style: chr12-132423772-A-AT.
Other names: c.414dup, p.Leu139fs (NM_001002019.3, NM_001002020.3); short protein forms L139fs, L167fs.
Identifiers: ClinVar variation 2760800 (VCV002760800.3), dbSNP rs2540870266, ClinGen allele CA2697551563.
Genomic context (GRCh38, chr12:131,939,227, plus strand): 5'-TTACAGGGTGTGTCCGCAGCCGGCCAGGTGGTATCCCTGAAGGTGTGGCTGATTGACGAC[A>AT]TTCTAGAAAAGATCAACAGCCACCTTCCCTCTCACATTCGGATTCTGGGTAAGCCTTGCA-3'

ClinVar aggregate classification (germline): Pathogenic (1 of 4 stars; one submission).

Submission:

Labcorp Genetics (formerly Invitae), Labcorp
Classification: Pathogenic. Last evaluated: 2023-09-15. Review status: criteria provided, single submitter. Criteria: Invitae Variant Classification Sherloc (09022015). Collection method: clinical testing. Allele origin: germline.
Comment: For these reasons, this variant has been classified as Pathogenic. This variant has not been reported in the literature in individuals affected with PUS1-related conditions. This variant is not present in population databases (gnomAD no frequency). This sequence change creates a premature translational stop signal (p.Leu167Serfs*25) in the PUS1 gene. It is expected to result in an absent or disrupted protein product. Loss-of-function variants in PUS1 are known to be pathogenic (PMID: 17056637, 19731322, 25058219, 26556812).

Literature cited by the submitters: PubMed 17056637; PubMed 19731322; PubMed 25058219; PubMed 26556812.